The following is an entry in ClinVar:

NM_000059.4(BRCA2):c.3206C>T (p.Ser1069Phe)

Gene: BRCA2 (BRCA2 DNA repair associated; plus strand). Cytogenetic location: 13q13.1.
Variant type: single nucleotide variant.
Coding change: c.3206C>T on transcript NM_000059.4 (MANE Select); coding-DNA position 3206, C replaced by T.
Protein change: p.Ser1069Phe; replaces serine 1069 with phenylalanine.
Molecular consequence: missense variant.
Genome position (GRCh38, 1-based): chr13:32,337,561, C>T. VCF-style: chr13-32337561-C-T. GRCh37 (hg19) VCF-style: chr13-32911698-C-T.
Other names: short protein forms S1069F.
Identifiers: ClinVar variation 51423 (VCV000051423.39), dbSNP rs80358563, ClinGen allele CA017538.

ClinVar aggregate classification (germline): Conflicting classifications of pathogenicity. Review status: criteria provided, conflicting classifications (1 of 4 stars). 12 submissions from 12 submitters: Uncertain significance (7); Likely benign (2). 3 of the submissions do not count toward it. Last evaluated 2026-01-27.

Conditions:
BRCA2-related disorder. Also called: BRCA2-related condition; BRCA2-related disorders. Identifiers: MedGen CN239275.
Hereditary breast ovarian cancer syndrome. Also called: Hereditary breast and ovarian cancer syndrome; Hereditary breast and ovarian cancer; Hereditary breast and ovarian cancer syndrome (HBOC); Breast and ovarian cancer; Hereditary breast and/or ovarian cancer syndrome; BRCA1- and BRCA2-Associated Hereditary Breast and Ovarian Cancer. Identifiers: Orphanet 145, MedGen C0677776, MeSH D061325, MONDO:0003582. Disease mechanism: loss of function.
Breast-ovarian cancer, familial, susceptibility to, 2 (BROVCA2). Also called: BRCA2 Hereditary Breast and Ovarian Cancer. Identifiers: Orphanet 145, MedGen C2675520, MONDO:0012933, OMIM 612555. Disease mechanism: loss of function.
Hereditary cancer-predisposing syndrome. Also called: Neoplastic Syndromes, Hereditary; Tumor predisposition; Hereditary Cancer Syndrome; Hereditary neoplastic syndrome. Identifiers: Orphanet 140162, MedGen C0027672, MeSH D009386, MONDO:0015356.

Allele frequency attached by ClinVar (database versions not stated): TOPMed below 0.00001; gnomAD 0.00001.

Submissions (12):

Labcorp Genetics (formerly Invitae), Labcorp
Classification: Uncertain significance for Hereditary breast ovarian cancer syndrome. Last evaluated: 2026-01-27. Review status: criteria provided, single submitter. Criteria: Invitae Variant Classification Sherloc (09022015). Collection method: clinical testing. Allele origin: germline.
Comment: This sequence change replaces serine, which is neutral and polar, with phenylalanine, which is neutral and non-polar, at codon 1069 of the BRCA2 protein (p.Ser1069Phe). This variant is not present in population databases (gnomAD no frequency). This missense change has been observed in individual(s) with breast cancer (PMID: 25186627). ClinVar contains an entry for this variant (Variation ID: 51423). Invitae Evidence Modeling of protein sequence and biophysical properties (such as structural, functional, and spatial information, amino acid conservation, physicochemical variation, residue mobility, and thermodynamic stability) indicates that this missense variant is not expected to disrupt BRCA2 protein function with a negative predictive value of 95%. In summary, the available evidence is currently insufficient to determine the role of this variant in disease. Therefore, it has been classified as a Variant of Uncertain Significance.

Color Diagnostics, LLC DBA Color Health
Classification: Likely benign for Hereditary cancer-predisposing syndrome. Last evaluated: 2025-07-30. Review status: criteria provided, single submitter. Criteria: ACMG Guidelines, 2015. Collection method: clinical testing. Allele origin: germline.

Ambry Genetics
Classification: Uncertain significance for Hereditary cancer-predisposing syndrome. Last evaluated: 2025-07-11. Review status: criteria provided, single submitter. Criteria: Ambry Variant Classification Scheme 2023. Collection method: clinical testing. Allele origin: germline.
Comment: The p.S1069F variant (also known as c.3206C>T), located in coding exon 10 of the BRCA2 gene, results from a C to T substitution at nucleotide position 3206. The serine at codon 1069 is replaced by phenylalanine, an amino acid with highly dissimilar properties. This amino acid position is well conserved in available vertebrate species. In addition, this alteration is predicted to be tolerated by in silico analysis. Based on the available evidence, the clinical significance of this variant remains unclear.

Quest Diagnostics Nichols Institute San Juan Capistrano
Classification: Uncertain significance. Last evaluated: 2025-03-11. Review status: criteria provided, single submitter. Criteria: Quest Diagnostics criteria. Collection method: clinical testing. Allele origin: unknown.
Comment: The BRCA2 c.3206C>T (p.Ser1069Phe) variant has been reported in the published literature in at least one individual with breast cancer (PMID: 25186627 (2015)) as well as in a reportedly healthy individual (PMID: 33471991 (2021), see also LOVD). The variant also has been reported to be located in a region of the BRCA2 gene that is tolerant to missense sequence changes (PMID: 31911673 (2020)). While one functional study demonstrated that this variant may prevent BRCA2 homology-directed repair (PMID: 22293751 (2012)), a more recent study using cell viability and drug sensitivity assays suggested that the variant retains BRCA2 function (PMID: 37922907 (2023)). This variant has not been reported in large, multi-ethnic general populations (Genome Aggregation Database). Analysis of this variant using bioinformatics tools (i.e., MutationTaster and PolyPhen-2) for the prediction of the effect of amino acid changes on protein structure and function yielded conflicting predictions that this variant is benign or damaging. Based on the available information, we are unable to determine the clinical significance of this variant.

GeneDx
Classification: Uncertain significance. Last evaluated: 2024-12-04. Review status: criteria provided, single submitter. Criteria: GeneDx Variant Classification Process June 2021. Collection method: clinical testing. Allele origin: germline. Affected: yes.
Comment: Not observed at significant frequency in large population cohorts (gnomAD); In silico analysis supports that this missense variant has a deleterious effect on protein structure/function; Also known as 3434C>T; This variant is associated with the following publications: (PMID: 31131967, 25186627, 33471991, 22293751, 37922907)

All of Us Research Program, National Institutes of Health
Classification: Uncertain significance for Breast-ovarian cancer, familial, susceptibility to, 2. Last evaluated: 2024-01-03. Review status: criteria provided, single submitter. Criteria: ACMG Guidelines, 2015. Collection method: clinical testing. Allele origin: germline. Inheritance: Autosomal dominant inheritance. Observed: 2 variant alleles, 2 heterozygotes.
Comment: This missense variant replaces serine with phenylalanine at codon 1069 of the BRCA2 protein. Computational prediction suggests that this variant may not impact protein structure and function (internally defined REVEL score threshold <= 0.5, PMID: 27666373). Functional studies have shown that this variant impairs APRIN interaction and can partially rescue homology-directed DNA repair deficiency (PMID: 22293751). This variant has been reported in 1 individual affected with breast cancer, this individual also carried a pathogenic variant in the BRCA2 gene that could explain the observed phenotype (PMID: 25186627). This variant has not been identified in the general population by the Genome Aggregation Database (gnomAD). The available evidence is insufficient to determine the role of this variant in disease conclusively. Therefore, this variant is classified as a Variant of Uncertain Significance.

This study involves interpretation of variants in research participants for the purpose of population health screening. Participant phenotype was not available at the time of variant classification. Additional details can be found in publication PMID: 35346344, PMCID: PMC8962531

Women's Health and Genetics/Laboratory Corporation of America, LabCorp
Classification: Uncertain significance. Last evaluated: 2023-11-13. Review status: criteria provided, single submitter. Criteria: LabCorp Variant Classification Summary - May 2015. Collection method: clinical testing. Allele origin: germline.
Comment: Variant summary: BRCA2 c.3206C>T (p.Ser1069Phe) results in a non-conservative amino acid change in the encoded protein sequence. Three of five in-silico tools predict a damaging effect of the variant on protein function. The variant was absent in 245554 control chromosomes. The available data on variant occurrences in the general population are insufficient to allow any conclusion about variant significance. c.3206C>T has been reported in the literature as a VUS in settings of multigene panel testing in individuals affected with Breast/Ovarian cancer (example, Tung_2014). This report does not provide unequivocal conclusions about association of the variant with Hereditary Breast And Ovarian Cancer Syndrome. At least two co-occurrences with another pathogenic variant have been reported (BRCA2 c.5042_5043delTG, p.Val1681Glufs*7; Tung_2014 and internal sample), providing supporting evidence for a benign role. One publication reports experimental evidence that the variant reduces association with APRIN (Brough_2012). The following publications have been ascertained in the context of this evaluation (PMID: 22293751, 25186627). Seven submitters have cited clinical-significance assessments for this variant to ClinVar after 2014 (Likely benign, n=1 VUS, n=6). Based on the evidence outlined above, the variant was classified as VUS-possibly benign.

University of Washington Department of Laboratory Medicine, University of Washington
Classification: Likely benign for Hereditary cancer-predisposing syndrome. Last evaluated: 2023-03-23. Review status: criteria provided, single submitter. Criteria: Dines et al. (Genet Med. 2020). Collection method: curation. Allele origin: germline.
Comment: Missense variant in a coldspot region where missense variants are very unlikely to be pathogenic (PMID:31911673).

BRCA2 exon 11 coldspot. Reclassification based on statistical prior probability.

Sema4
Classification: Uncertain significance for Hereditary cancer-predisposing syndrome. Last evaluated: 2021-06-13. Review status: criteria provided, single submitter. Criteria: Sema4 Curation Guidelines. Collection method: curation. Allele origin: germline.
Comment: The BRCA2 c.3206C>T (p.S1069F) variant has been reported in at least one individual with breast cancer who also carried a pathogenic variant in BRCA2 (PMID: 25186627). It was not observed in the large and broad cohorts of the Genome Aggregation Database (PMID: 32461654). The variant has been reported in ClinVar (Variation ID: 51423). In silico tools suggest the impact of the variant on protein function is inconclusive, however, a homology-directed repair and an APRIN interaction assay demonstrated the variant to alter protein function (PMID: 22293751).The evidence is insufficient to meet ACMG/AMP criteria for classifying the variant as benign or pathogenic. Thus, the clinical significance of this variant is currently uncertain.

PreventionGenetics, part of Exact Sciences
Classification: Uncertain significance for BRCA2-related condition. Last evaluated: 2024-02-19. Review status: no assertion criteria provided. Collection method: clinical testing. Allele origin: germline. Not counted in ClinVar's aggregate classification.
Comment: The BRCA2 c.3206C>T variant is predicted to result in the amino acid substitution p.Ser1069Phe. This variant has been reported in a patient with breast cancer that also had a different BRCA2 pathogenic variant (Tung et al. 2014. PubMed ID: 25186627). This variant was found in one control individual (Breast Cancer Association Consortium et al 2021. PubMed ID: 33471991). In a multifactorial likelihood analysis, this variant was reported to have uncertain significance for cancer susceptibility (Parsons et al. 2019. PubMed ID: 31131967). This variant occurs within a region of the BRCA2 gene that is predicted to be tolerant to missense variation (Dines et al. 2020. PubMed ID: 31911673). In vitro experimental studies suggest this variant impairs BRCA2/ARPIN interaction and homologous recombination, but did not impact BRCA2/RAD51 interaction (Brough et al. 2012. PubMed ID: 22293751). This variant has not been reported in a large population database, indicating this variant is rare. It has conflicting classifications listed in ClinVar ranging from likely benign to uncertain significance. At this time, the clinical significance of this variant is uncertain due to the absence of conclusive functional and genetic evidence.

Counsyl
Classification: Uncertain significance for Breast-ovarian cancer, familial, susceptibility to, 2. Last evaluated: 2017-05-08. Review status: no assertion criteria provided. Collection method: clinical testing. Allele origin: unknown. Not counted in ClinVar's aggregate classification.

Breast Cancer Information Core (BIC) (BRCA2)
Classification: Uncertain significance for Breast-ovarian cancer, familial 2. Last evaluated: 2003-12-23. Review status: no assertion criteria provided. Collection method: clinical testing. Allele origin: germline. Affected: yes. Observed: 1 variant allele. Not counted in ClinVar's aggregate classification.

Literature cited by the submitters: PubMed 25186627 (cited by 5 submitters); PubMed 33471991 (cited by Quest Diagnostics Nichols Institute San Juan Capistrano); PubMed 31911673 (cited by Quest Diagnostics Nichols Institute San Juan Capistrano); PubMed 37922907 (cited by Quest Diagnostics Nichols Institute San Juan Capistrano); PubMed 31131967 (cited by Quest Diagnostics Nichols Institute San Juan Capistrano); PubMed 30702160 (cited by Quest Diagnostics Nichols Institute San Juan Capistrano); PubMed 31853058 (cited by Quest Diagnostics Nichols Institute San Juan Capistrano); PubMed 22293751 (cited by 4 submitters).